The following is an entry in ClinVar:

ClinVar aggregate classification (germline): Benign (0 of 4 stars; one submission).

Conditions:
ITIH4-related disorder. Also called: ITIH4-related condition.

Allele frequency attached by ClinVar (database versions not stated): ExAC 0.43192; ESP Exome Variant Server 0.47547; TOPMed 0.50315; 1000 Genomes Project 0.50839; 1000 Genomes Project 30x 0.51780.
gnomAD v4.1: 655,572 of 1,613,314 alleles (41%); highest among the groups gnomAD compares: African/African-American, 67%; 137,822 homozygotes.

Submission:

PreventionGenetics, part of Exact Sciences
Classification: Benign for ITIH4-related condition. Last evaluated: 2019-10-17. Review status: no assertion criteria provided. Collection method: clinical testing. Allele origin: germline.
Comment: This variant is classified as benign based on ACMG/AMP sequence variant interpretation guidelines (Richards et al. 2015 PMID: 25741868, with internal and published modifications).

NM_002218.5(ITIH4):c.75T>C (p.Thr25=)

Gene: ITIH4 (inter-alpha-trypsin inhibitor heavy chain 4; minus strand). Cytogenetic location: 3p21.1.
Variant type: single nucleotide variant.
Coding change: c.75T>C on transcript NM_002218.5 (MANE Select); coding-DNA position 75, T replaced by C.
Protein change: p.Thr25=; no amino-acid change (threonine 25 retained).
Molecular consequence: synonymous variant.
Genome position (GRCh38, 1-based): chr3:52,830,568, A>G on the plus strand (T>C on the coding strand, the complement: ITIH4 is on the minus strand). VCF-style: chr3-52830568-A-G. GRCh37 (hg19) VCF-style: chr3-52864584-A-G.
Other names: c.75T>C, p.Thr25= (NM_001166449.2).
Identifiers: ClinVar variation 3060371 (VCV003060371.2), dbSNP rs2071042, ClinGen allele CA2449852.